The following is an entry in ClinVar:

ClinVar aggregate classification (germline): Uncertain significance (1 of 4 stars; one submission).

Conditions:
Joubert syndrome 14 (JBTS14). Identifiers: MedGen C3280766, MONDO:0013745, OMIM 614424.

Submission:

Labcorp Genetics (formerly Invitae), Labcorp
Classification: Uncertain significance for Joubert syndrome 14. Last evaluated: 2022-03-10. Review status: criteria provided, single submitter. Criteria: Invitae Variant Classification Sherloc (09022015). Collection method: clinical testing. Allele origin: germline.
Comment: In summary, the available evidence is currently insufficient to determine the role of this variant in disease. Therefore, it has been classified as a Variant of Uncertain Significance. Algorithms developed to predict the effect of missense changes on protein structure and function (SIFT, PolyPhen-2, Align-GVGD) all suggest that this variant is likely to be disruptive. This variant has not been reported in the literature in individuals affected with TMEM237-related conditions. This variant is not present in population databases (gnomAD no frequency). This sequence change replaces alanine, which is neutral and non-polar, with serine, which is neutral and polar, at codon 237 of the TMEM237 protein (p.Ala237Ser).

NM_001044385.3(TMEM237):c.709G>T (p.Ala237Ser)

Gene: TMEM237 (transmembrane protein 237; minus strand). Cytogenetic location: 2q33.1.
Variant type: single nucleotide variant.
Coding change: c.709G>T on transcript NM_001044385.3 (MANE Select); coding-DNA position 709, G replaced by T.
Protein change: p.Ala237Ser; replaces alanine 237 with serine.
Molecular consequence: missense variant.
Genome position (GRCh38, 1-based): chr2:201,629,390, C>A on the plus strand (G>T on the coding strand, the complement: TMEM237 is on the minus strand). VCF-style: chr2-201629390-C-A. GRCh37 (hg19) VCF-style: chr2-202494113-C-A.
Other names: c.685G>T, p.Ala229Ser (NM_152388.4); short protein forms A237S, A229S.
Identifiers: ClinVar variation 1430277 (VCV001430277.8), dbSNP rs763431945, ClinGen allele CA350309591.
Genomic context (GRCh38, chr2:201,629,390, plus strand): 5'-TGGATAGCTGATCTCCTGCTAGAACATATATCACAACAATATTCCACACAGCACAGCCAG[C>A]CAAGAATCCATGAGAAAAGAGACCAATCATCCTGAATGGAAAAGGGTTTGATTATTATAC-3'
Protein context (NP_001037850.1, residues 227-247): MIGLFSHGFL[Ala237Ser]GCAVWNIVVI